The following is an entry in ClinVar:

NM_001042492.3(NF1):c.1722-5_1765dup

Gene: NF1 (neurofibromin 1; plus strand). Cytogenetic location: 17q11.2.
Variant type: Duplication.
Coding change: c.1722-5_1765dup on transcript NM_001042492.3 (MANE Select); 5 bases into the intron before coding-DNA position 1722 through coding-DNA position 1765, 49 bases duplicated.
Molecular consequence: splice acceptor variant.
Genome position (GRCh38, 1-based): chr17:31,223,439-31,223,487, 49 bases duplicated; duplicating any 49 consecutive bases within chr17:31,223,438-31,223,487 gives the same sequence; the c. name uses the placement nearest the transcript's 3' end. GRCh37 (hg19): chr17:29,550,457-29,550,505.
Other names: c.1722-5_1765dup (NM_000267.4).
Identifiers: ClinVar variation 2743521 (VCV002743521.3), dbSNP rs2508124364, ClinGen allele CA2697559672.

ClinVar aggregate classification (germline): Pathogenic (1 of 4 stars; one submission).

Conditions:
Neurofibromatosis, type 1 (NF1). Also called: Peripheral type neurofibromatosis; NEUROFIBROMATOSIS, TYPE I, SOMATIC; VON RECKLINGHAUSEN DISEASE; Neurofibromatosis, type I. Identifiers: Orphanet 636, MedGen C0027831, MONDO:0018975, OMIM 162200. Disease mechanism: loss of function.

Submission:

Labcorp Genetics (formerly Invitae), Labcorp
Classification: Pathogenic for Neurofibromatosis, type 1. Last evaluated: 2025-05-27. Review status: criteria provided, single submitter. Criteria: Invitae Variant Classification Sherloc (09022015). Collection method: clinical testing. Allele origin: germline.
Comment: This sequence change creates a premature translational stop signal (Intronic) in the NF1 gene. It is expected to result in an absent or disrupted protein product. Loss-of-function variants in NF1 are known to be pathogenic (PMID: 10712197, 23913538). This variant is not present in population databases (gnomAD no frequency). This premature translational stop signal has been observed in individual(s) with neurofibromatosis type 1 (internal data). ClinVar contains an entry for this variant (Variation ID: 2743521). RNA analysis performed to evaluate the impact of this premature translational stop signal on mRNA splicing indicates it does not significantly alter splicing (internal data). For these reasons, this variant has been classified as Pathogenic.

Literature cited by the submitters: PubMed 10712197; PubMed 23913538.